The following is an entry in ClinVar:

ClinVar aggregate classification (germline): Uncertain significance (1 of 4 stars; one submission).

Submission:

Labcorp Genetics (formerly Invitae), Labcorp
Classification: Uncertain significance. Last evaluated: 2021-09-24. Review status: criteria provided, single submitter. Criteria: Invitae Variant Classification Sherloc (09022015). Collection method: clinical testing. Allele origin: germline.
Comment: This sequence change falls in intron 12 of the ASPM gene. It does not directly change the encoded amino acid sequence of the ASPM protein. It affects a nucleotide within the consensus splice site of the intron. This variant is present in population databases (rs761193121, ExAC 0.002%). This variant has not been reported in the literature in individuals affected with ASPM-related conditions. Variants that disrupt the consensus splice site are a relatively common cause of aberrant splicing (PMID: 17576681, 9536098). Algorithms developed to predict the effect of sequence changes on RNA splicing suggest that this variant may disrupt the consensus splice site. In summary, the available evidence is currently insufficient to determine the role of this variant in disease. Therefore, it has been classified as a Variant of Uncertain Significance.

Literature cited by the submitters: PubMed 17576681; PubMed 9536098.

NM_018136.5(ASPM):c.3169-2_3169-1insAA

Gene: ASPM (assembly factor for spindle microtubules; minus strand). Cytogenetic location: 1q31.3.
Variant type: Insertion.
Coding change: c.3169-2_3169-1insAA on transcript NM_018136.5 (MANE Select); the canonical splice acceptor site of the intron before coding-DNA position 3169, AA inserted.
Molecular consequence: splice acceptor variant.
Genome position: GRCh38 VCF-style: chr1-197124332-C-CTT. GRCh37 (hg19) VCF-style: chr1-197093462-C-CTT.
Other names: c.3169-2_3169-1insAA (NM_001206846.2).
Identifiers: ClinVar variation 1406598 (VCV001406598.3), dbSNP rs761193121, ClinGen allele CA1310232.
Genomic context (GRCh38, chr1:197,124,332, plus strand): 5'-TGTGTGTTTTAGAAAGGCAATTTCTTCCTTTAATTGATCTAAGTTAAGGGAAATATCCAC[C>CTT]TAAAACAAACACAAAAAAAGATAAATACCTTCATATTTTCCATAGATTATTTTTAACCCA-3'